The following is an entry in ClinVar:

ClinVar aggregate classification (germline): Likely benign (0 of 4 stars; one submission).

Conditions:
LEPR-related disorder. Also called: LEPR-related condition; LEPR-related disorders.

Submission:

PreventionGenetics, part of Exact Sciences
Classification: Likely benign for LEPR-related condition. Last evaluated: 2023-10-23. Review status: no assertion criteria provided. Collection method: clinical testing. Allele origin: germline.
Comment: This variant is classified as likely benign based on ACMG/AMP sequence variant interpretation guidelines (Richards et al. 2015 PMID: 25741868, with internal and published modifications).

NM_002303.6(LEPR):c.2674-5843T>A

Gene: LEPR (leptin receptor; plus strand). Cytogenetic location: 1p31.3.
Variant type: single nucleotide variant.
Coding change: c.2674-5843T>A on transcript NM_002303.6 (MANE Select); 5843 bases into the intron before coding-DNA position 2674, T replaced by A.
Molecular consequence: intron variant. On other transcripts: synonymous variant (2).
Genome position (GRCh38, 1-based): chr1:65,630,348, T>A. VCF-style: chr1-65630348-T-A. GRCh37 (hg19) VCF-style: chr1-66096031-T-A.
Other names: c.2820T>A, p.Pro940= (NM_001003680.3, NM_001198687.2); c.2674-2804T>A (NM_001003679.3, NM_001198689.2).
Identifiers: ClinVar variation 3355674 (VCV003355674.1).